The following is an entry in ClinVar:

ClinVar aggregate classification (germline): Pathogenic. Review status: reviewed by expert panel (3 of 4 stars). 2 submissions from 2 submitters: Pathogenic (1). 1 of the submissions does not count toward it. Last evaluated 2016-10-18.

Conditions:
Breast-ovarian cancer, familial, susceptibility to, 2 (BROVCA2). Also called: BRCA2 Hereditary Breast and Ovarian Cancer. Identifiers: Orphanet 145, MedGen C2675520, MONDO:0012933, OMIM 612555. Disease mechanism: loss of function.

Submissions (2):

Evidence-based Network for the Interpretation of Germline Mutant Alleles (ENIGMA)
Classification: Pathogenic for Breast-ovarian cancer, familial, susceptibility to, 2. Last evaluated: 2016-10-18. Review status: reviewed by expert panel. Criteria: ENIGMA BRCA1/2 Classification Criteria (2015). Collection method: curation. Allele origin: germline.
Comment: Variant allele predicted to encode a truncated non-functional protein.

Consortium of Investigators of Modifiers of BRCA1/2 (CIMBA), c/o University of Cambridge
Classification: Pathogenic for Breast-ovarian cancer, familial, susceptibility to, 2. Last evaluated: 2015-10-02. Review status: criteria provided, single submitter. Criteria: CIMBA Mutation Classification guidelines May 2016. Collection method: clinical testing. Allele origin: germline. Not counted in ClinVar's aggregate classification.

NM_000059.4(BRCA2):c.5609dup (p.Ser1871fs)

Gene: BRCA2 (BRCA2 DNA repair associated; plus strand). Cytogenetic location: 13q13.1.
Variant type: Duplication.
Coding change: c.5609dup on transcript NM_000059.4 (MANE Select); coding-DNA position 5609, one base duplicated (T; older notation c.5609dupT).
Protein change: p.Ser1871fs; shifts the reading frame from serine 1871.
Molecular consequence: frameshift variant.
Genome position (GRCh38, 1-based): chr13:32,339,964, T duplicated; the last of 3 consecutive T bases (chr13:32,339,962-32,339,964); duplicating any one gives the same sequence. VCF-style (leftmost placement, unchanged base first): chr13-32339961-G-GT. GRCh37 (hg19) VCF-style: chr13-32914098-G-GT.
Other names: 5836insT; short protein forms S1871fs.
Identifiers: ClinVar variation 266884 (VCV000266884.5), dbSNP rs886040599, ClinGen allele CA10589321.